The following is an entry in ClinVar:

NM_016239.4(MYO15A):c.10504dup (p.Cys3502fs)

Gene: MYO15A (myosin XVA; plus strand). Cytogenetic location: 17p11.2.
Variant type: Duplication.
Coding change: c.10504dup on transcript NM_016239.4 (MANE Select); coding-DNA position 10504, one base duplicated (T; older notation c.10504dupT).
Protein change: p.Cys3502fs; shifts the reading frame from cysteine 3502.
Molecular consequence: frameshift variant.
Genome position (GRCh38, 1-based): chr17:18,178,781, T duplicated. VCF-style (leftmost placement, unchanged base first): chr17-18178780-G-GT. GRCh37 (hg19) VCF-style: chr17-18082094-G-GT.
Other names: short protein forms C3502fs.
Identifiers: ClinVar variation 3370465 (VCV003370465.1).

ClinVar aggregate classification (germline): Pathogenic (1 of 4 stars; one submission).

Conditions:
Autosomal recessive nonsyndromic hearing loss 3. Also called: NEUROSENSORY NONSYNDROMIC RECESSIVE DEAFNESS 3. Identifiers: Orphanet 90636, MedGen C1838263, MONDO:0010860, OMIM 600316.

Submission:

ENT and Head and Neck Research Center and Department,  The Five Senses Health Institute, Iran University of Medical Sciences
Classification: Pathogenic for Autosomal recessive nonsyndromic hearing loss 3. Last evaluated: 2024-11-02. Review status: criteria provided, single submitter. Criteria: ClinGen HL ACMG Specifications v1. Collection method: clinical testing. Allele origin: germline. Affected: yes.
Comment: PVS1: Null variant (frame-shift) in gene MYO15A, not predicted to cause NMD. Loss-of-function is a known mechanism of disease (gene has 448 reported pathogenic LOF variants). The exon affects 2 functional domains: UniProt protein MYO15_HUMAN domain 'FERM' and UniProt protein MYO15_HUMAN region of interest 'Tail'., PM2: Variant not found in gnomAD genomes, good gnomAD genomes coverage = 31.0, PP5: PMID:33208113

Literature cited by the submitters: DOI 10.1038/s41598-025-99417-7.